The following is an entry in ClinVar:

NM_020232.5(PSMG2):c.366A>G (p.Ser122=)

Gene: PSMG2 (proteasome assembly chaperone 2; plus strand). Cytogenetic location: 18p11.21.
Variant type: single nucleotide variant.
Coding change: c.366A>G on transcript NM_020232.5 (MANE Select); coding-DNA position 366, A replaced by G.
Protein change: p.Ser122=; no amino-acid change (serine 122 retained).
Molecular consequence: synonymous variant.
Genome position (GRCh38, 1-based): chr18:12,718,594, A>G. VCF-style: chr18-12718594-A-G. GRCh37 (hg19) VCF-style: chr18-12718593-A-G.
Other names: p.Ser122=; c.273A>G, p.Ser91= (NM_147163.2).
Identifiers: ClinVar variation 1170694 (VCV001170694.14), dbSNP rs2302768, ClinGen allele CA8898378.

ClinVar aggregate classification (germline): Benign. Review status: criteria provided, multiple submitters, no conflicts (2 of 4 stars). 5 submissions from 5 submitters: Benign (5). Last evaluated 2026-02-04.

Allele frequency attached by ClinVar (database versions not stated): 1000 Genomes Project 30x 0.28857; 1000 Genomes Project 0.29333; ESP Exome Variant Server 0.39905; gnomAD 0.38520; TOPMed 0.36831.
gnomAD v4.1: 674,366 of 1,608,078 alleles (42%); highest among the groups gnomAD compares: Non-Finnish European, 45%; 146,478 homozygotes.

Submissions (5):

Labcorp Genetics (formerly Invitae), Labcorp
Classification: Benign. Last evaluated: 2026-02-04. Review status: criteria provided, single submitter. Criteria: Invitae Variant Classification Sherloc (09022015). Collection method: clinical testing. Allele origin: germline.

Women's Health and Genetics/Laboratory Corporation of America, LabCorp
Classification: Benign. Last evaluated: 2026-01-21. Review status: criteria provided, single submitter. Criteria: LabCorp Variant Classification Summary - May 2015. Collection method: clinical testing. Allele origin: germline.

Unidad de Genómica Garrahan, Hospital de Pediatría Garrahan
Classification: Benign. Last evaluated: 2024-01-24. Review status: criteria provided, single submitter. Criteria: ACMG Guidelines, 2015. Collection method: clinical testing. Allele origin: germline. Affected: no. Observed: 50 variant alleles.
Comment: This variant is classified as Benign based on local population frequency. This variant was detected in 53% of patients studied by a panel of primary immunodeficiencies. Number of patients: 50. Only high quality variants are reported.

Mayo Clinic Laboratories, Mayo Clinic
Classification: Benign. Last evaluated: 2022-09-06. Review status: criteria provided, single submitter. Criteria: ACMG Guidelines, 2015. Collection method: clinical testing. Allele origin: germline. Observed: 309 variant alleles.

Breakthrough Genomics
Classification: Benign. Review status: criteria provided, single submitter. Criteria: ACMG Guidelines, 2015. Collection method: not provided. Allele origin: germline. Inheritance: Autosomal recessive inheritance. Affected: yes.